The following is an entry in ClinVar:

NM_005359.6(SMAD4):c.753_760delinsGTAG (p.Asn251_Thr254delinsLysTer)

Gene: SMAD4 (SMAD family member 4; plus strand). Cytogenetic location: 18q21.2.
Variant type: Indel.
Coding change: c.753_760delinsGTAG on transcript NM_005359.6 (MANE Select); coding-DNA positions 753 to 760, TGGATTTA replaced by GTAG.
Protein change: p.Asn251_Thr254delinsLysTer.
Molecular consequence: nonsense. On other transcripts: non-coding transcript variant (2).
Genome position (GRCh38, 1-based): chr18:51,058,210-51,058,217, TGGATTTA replaced by GTAG. VCF-style: chr18-51058210-TGGATTTA-GTAG. GRCh37 (hg19) VCF-style: chr18-48584580-TGGATTTA-GTAG.
Other names: c.753_760delinsGTAG, p.Asn251_Thr254delinsLysTer (NM_001407041.1, NM_001407042.1, NM_001407043.1).
Identifiers: ClinVar variation 3254386 (VCV003254386.1), dbSNP rs2511376874.

ClinVar aggregate classification (germline): Pathogenic (1 of 4 stars; one submission).

Conditions:
Juvenile polyposis/hereditary hemorrhagic telangiectasia syndrome (JPHT). Also called: JP/HHT SYNDROME; JUVENILE POLYPOSIS WITH HEREDITARY HEMORRHAGIC TELANGIECTASIA; POLYPOSIS, GENERALIZED JUVENILE, WITH PULMONARY ARTERIOVENOUS MALFORMATION; TELANGIECTASIA, HEREDITARY HEMORRHAGIC, WITH JUVENILE POLYPOSIS COLI; Juvenile Polyposis Syndrome / Hereditary Hemorrhagic Telangiectasia (JPS/HHT). Identifiers: Orphanet 2929, MedGen C1832942, MONDO:0008278, OMIM 175050.

Submission:

Myriad Genetics, Inc.
Classification: Pathogenic for Juvenile polyposis/hereditary hemorrhagic telangiectasia syndrome. Last evaluated: 2024-05-13. Review status: criteria provided, single submitter. Criteria: Myriad Autosomal Dominant, Autosomal Recessive and X-Linked Classification Criteria (2023). Collection method: clinical testing. Allele origin: unknown.
Comment: This variant is considered pathogenic. This variant creates a frameshift predicted to result in premature protein truncation.